The following is an entry in ClinVar:

NM_020366.4(RPGRIP1):c.2017C>T (p.Gln673Ter)

Gene: RPGRIP1 (RPGR interacting protein 1; plus strand). Cytogenetic location: 14q11.2.
Variant type: single nucleotide variant.
Coding change: c.2017C>T on transcript NM_020366.4 (MANE Select); coding-DNA position 2017, C replaced by T.
Protein change: p.Gln673Ter; replaces glutamine 673 with a stop codon.
Molecular consequence: nonsense. On other transcripts: intron variant (4).
Genome position (GRCh38, 1-based): chr14:21,324,872, C>T. VCF-style: chr14-21324872-C-T. GRCh37 (hg19) VCF-style: chr14-21793031-C-T.
Other names: c.943C>T, p.Gln315Ter (NM_001377948.1); c.796+147C>T (NM_001377949.1); c.689-2751C>T (NM_001377523.1, NM_001377950.1); c.191-2751C>T (NM_001377951.1); short protein forms Q673*, Q315*.
Identifiers: ClinVar variation 578421 (VCV000578421.11), dbSNP rs1566341956, ClinGen allele CA388867595.
Genomic context (GRCh38, chr14:21,324,872, plus strand): 5'-TTCTGCACCTATTCCTTCTATGACTTTGAAACCCACTGTACCCCATTATCTGTGGGGCCA[C>T]AGCCCCTCTATGACTTCACCTCCCAGTATGTGATGGAGACAGATTCGCTTTTCTTACACT-3'

ClinVar aggregate classification (germline): Pathogenic/Likely pathogenic. Review status: criteria provided, multiple submitters, no conflicts (2 of 4 stars). 4 submissions from 4 submitters: Pathogenic (2); Likely pathogenic (2). Last evaluated 2026-02-23.

Conditions:
RPGRIP1-related disorder. Also called: RPGRIP1-related condition.
Leber congenital amaurosis 6 (LCA6). Identifiers: Orphanet 65, MedGen C1854260, MONDO:0013446, OMIM 613826.
Cone-rod dystrophy 13 (CORD13). Identifiers: Orphanet 1872, MedGen C2750720, MONDO:0011987, OMIM 608194.

Allele frequency attached by ClinVar (database versions not stated): TOPMed 0.00001.

Submissions (4):

GeneDx
Classification: Likely pathogenic. Last evaluated: 2026-02-23. Review status: criteria provided, single submitter. Criteria: GeneDx Variant Classification Process June 2021. Collection method: clinical testing. Allele origin: germline.
Comment: Nonsense variant predicted to result in protein truncation or nonsense mediated decay in a gene for which loss of function is a known mechanism of disease; Not observed at significant frequency in large population cohorts (gnomAD); Identified as a heterozygous finding in an individual with a clinical diagnosis of Leber congenital amaurosis (PMID: 33907365); This variant is associated with the following publications: (PMID: 33907365)

PreventionGenetics, part of Exact Sciences
Classification: Likely pathogenic for RPGRIP1-related condition. Last evaluated: 2025-07-08. Review status: criteria provided, single submitter. Criteria: ACMG Guidelines, 2015. Collection method: clinical testing. Allele origin: germline.
Comment: The RPGRIP1 c.2017C>T variant is predicted to result in premature protein termination (p.Gln673*). To our knowledge, this variant has not been reported in the literature. This variant is absent in a large population database (gnomAD), indicating this variant is rare. Nonsense variants in RPGRIP1 are an established mechanism of disease. This variant is interpreted as likely pathogenic.

Labcorp Genetics (formerly Invitae), Labcorp
Classification: Pathogenic for Leber congenital amaurosis 6; Cone-rod dystrophy 13. Last evaluated: 2025-06-03. Review status: criteria provided, single submitter. Criteria: Invitae Variant Classification Sherloc (09022015). Collection method: clinical testing. Allele origin: germline.
Comment: This sequence change creates a premature translational stop signal (p.Gln673*) in the RPGRIP1 gene. It is expected to result in an absent or disrupted protein product. Loss-of-function variants in RPGRIP1 are known to be pathogenic (PMID: 11528500, 23105016). This variant is not present in population databases (gnomAD no frequency). This variant has not been reported in the literature in individuals affected with RPGRIP1-related conditions. ClinVar contains an entry for this variant (Variation ID: 578421). For these reasons, this variant has been classified as Pathogenic.

Blueprint Genetics
Classification: Pathogenic for RPGRIP1-related disorders. Last evaluated: 2024-01-29. Review status: criteria provided, single submitter. Criteria: ACMG Guidelines, 2015. Collection method: clinical testing. Allele origin: germline. Affected: yes. Observed: 2 variant alleles.

Literature cited by the submitters: PubMed 11528500 (cited by Labcorp Genetics (formerly Invitae), Labcorp); PubMed 23105016 (cited by Labcorp Genetics (formerly Invitae), Labcorp).